The following is an entry in ClinVar:

NM_004429.5(EFNB1):c.355C>G (p.Pro119Ala)

Gene: EFNB1 (ephrin B1; plus strand). Cytogenetic location: Xq13.1.
Variant type: single nucleotide variant.
Coding change: c.355C>G on transcript NM_004429.5 (MANE Select); coding-DNA position 355, C replaced by G.
Protein change: p.Pro119Ala; replaces proline 119 with alanine.
Molecular consequence: missense variant.
Genome position (GRCh38, 1-based): chrX:68,838,843, C>G. VCF-style: chrX-68838843-C-G. GRCh37 (hg19) VCF-style: chrX-68058686-C-G.
Other names: short protein forms P119A.
Identifiers: ClinVar variation 3724253 (VCV003724253.2).
Genomic context (GRCh38, chrX:68,838,843, plus strand): 5'-GTCACCTGCAATAGGCCAGAGCAGGAAATACGCTTTACCATCAAGTTCCAGGAGTTCAGC[C>G]CCAACTACATGGGCCTGGAGTTCAAGAAGCACCATGATTACTACATTACCTGTGAGTCCC-3'
Protein context (NP_004420.1, residues 109-129): RFTIKFQEFS[Pro119Ala]NYMGLEFKKH

ClinVar aggregate classification (germline): Likely pathogenic (1 of 4 stars; one submission).

Submission:

Labcorp Genetics (formerly Invitae), Labcorp
Classification: Likely pathogenic. Last evaluated: 2024-05-13. Review status: criteria provided, single submitter. Criteria: Invitae Variant Classification Sherloc (09022015). Collection method: clinical testing. Allele origin: germline.
Comment: This sequence change replaces proline, which is neutral and non-polar, with alanine, which is neutral and non-polar, at codon 119 of the EFNB1 protein (p.Pro119Ala). This variant is not present in population databases (gnomAD no frequency). This missense change has been observed in individuals with clinical features of EFNB1-related conditions (PMID: 3631134, 9302274, 16685650, 18627045; Invitae). Advanced modeling of protein sequence and biophysical properties (such as structural, functional, and spatial information, amino acid conservation, physicochemical variation, residue mobility, and thermodynamic stability) performed at Invitae indicates that this missense variant is not expected to disrupt EFNB1 protein function with a negative predictive value of 80%. This variant disrupts the p.Pro119 amino acid residue in EFNB1. Other variant(s) that disrupt this residue have been observed in individuals with EFNB1-related conditions (PMID: 15166289), which suggests that this may be a clinically significant amino acid residue. In summary, the currently available evidence indicates that the variant is pathogenic, but additional data are needed to prove that conclusively. Therefore, this variant has been classified as Likely Pathogenic.

Literature cited by the submitters: PubMed 3631134; PubMed 9302274; PubMed 16685650; PubMed 18627045; PubMed 15166289.